The following is an entry in ClinVar:

ClinVar aggregate classification (germline): Pathogenic. Review status: criteria provided, multiple submitters, no conflicts (2 of 4 stars). 2 submissions from 2 submitters: Pathogenic (2). Last evaluated 2024-01-05.

Conditions:
Autosomal recessive distal spinal muscular atrophy 1. Also called: Spinal muscular atrophy with respiratory distress 1; NEURONOPATHY, SEVERE INFANTILE AXONAL, WITH RESPIRATORY FAILURE; SEVERE INFANTILE AXONAL NEUROPATHY WITH RESPIRATORY FAILURE; SPINAL MUSCULAR ATROPHY, DIAPHRAGMATIC; NEURONOPATHY, DISTAL HEREDITARY MOTOR, HARDING TYPE VI; NEUROPATHY, DISTAL HEREDITARY MOTOR, AUTOSOMAL RECESSIVE 1. Identifiers: Orphanet 98920, MedGen C1858517, MONDO:0011436, OMIM 604320.
Charcot-Marie-Tooth disease axonal type 2S. Also called: CHARCOT-MARIE-TOOTH NEUROPATHY, TYPE 2S; CHARCOT-MARIE-TOOTH DISEASE, AXONAL, AUTOSOMAL RECESSIVE, TYPE 2S. Identifiers: Orphanet 443073, MedGen C4015349, MONDO:0014511, OMIM 616155.

gnomAD v4.1: 2 of 1,614,108 alleles (0.00012%); highest among the groups gnomAD compares: Non-Finnish European, 0.00017%; no homozygotes.

Submissions (2):

Fulgent Genetics
Classification: Pathogenic for Autosomal recessive distal spinal muscular atrophy 1; Charcot-Marie-Tooth disease axonal type 2S. Last evaluated: 2024-01-05. Review status: criteria provided, single submitter. Criteria: ACMG Guidelines, 2015. Collection method: clinical testing. Allele origin: germline.

Labcorp Genetics (formerly Invitae), Labcorp
Classification: Pathogenic for Autosomal recessive distal spinal muscular atrophy 1; Charcot-Marie-Tooth disease axonal type 2S. Last evaluated: 2023-01-05. Review status: criteria provided, single submitter. Criteria: Invitae Variant Classification Sherloc (09022015). Collection method: clinical testing. Allele origin: germline.
Comment: For these reasons, this variant has been classified as Pathogenic. ClinVar contains an entry for this variant (Variation ID: 571351). This premature translational stop signal has been observed in individual(s) with SMA with respiratory distress type 1 (PMID: 28202949). This variant is not present in population databases (gnomAD no frequency). This sequence change creates a premature translational stop signal (p.Gln276*) in the IGHMBP2 gene. It is expected to result in an absent or disrupted protein product. Loss-of-function variants in IGHMBP2 are known to be pathogenic (PMID: 14681881, 25439726, 25568292).

Literature cited by the submitters: PubMed 28202949 (cited by Labcorp Genetics (formerly Invitae), Labcorp); PubMed 14681881 (cited by Labcorp Genetics (formerly Invitae), Labcorp); PubMed 25439726 (cited by Labcorp Genetics (formerly Invitae), Labcorp); PubMed 25568292 (cited by Labcorp Genetics (formerly Invitae), Labcorp).

NM_002180.3(IGHMBP2):c.826C>T (p.Gln276Ter)

Gene: IGHMBP2 (immunoglobulin mu DNA binding protein 2; plus strand). Cytogenetic location: 11q13.3.
Variant type: single nucleotide variant.
Coding change: c.826C>T on transcript NM_002180.3 (MANE Select); coding-DNA position 826, C replaced by T.
Protein change: p.Gln276Ter; replaces glutamine 276 with a stop codon.
Molecular consequence: nonsense.
Genome position (GRCh38, 1-based): chr11:68,914,937, C>T. VCF-style: chr11-68914937-C-T. GRCh37 (hg19) VCF-style: chr11-68682405-C-T.
Other names: short protein forms Q276*.
Identifiers: ClinVar variation 571351 (VCV000571351.12), dbSNP rs1566430156, ClinGen allele CA381644438.